The following is an entry in ClinVar:

NM_052813.5(CARD9):c.1117C>T (p.Arg373Trp)

Gene: CARD9 (caspase recruitment domain family member 9; minus strand). Cytogenetic location: 9q34.3.
Variant type: single nucleotide variant.
Coding change: c.1117C>T on transcript NM_052813.5 (MANE Select); coding-DNA position 1117, C replaced by T.
Protein change: p.Arg373Trp; replaces arginine 373 with tryptophan.
Molecular consequence: missense variant.
Genome position (GRCh38, 1-based): chr9:136,367,789, G>A on the plus strand (C>T on the coding strand, the complement: CARD9 is on the minus strand). VCF-style: chr9-136367789-G-A. GRCh37 (hg19) VCF-style: chr9-139262241-G-A.
Other names: c.1117C>T, p.Arg373Trp (NM_052814.4); short protein forms R373W.
Identifiers: ClinVar variation 1440883 (VCV001440883.8), dbSNP rs759837396, ClinGen allele CA5332823.

ClinVar aggregate classification (germline): Uncertain significance (1 of 4 stars; one submission).

Conditions:
Predisposition to invasive fungal disease due to CARD9 deficiency (IMD103). Also called: CARD9 IMMUNODEFICIENCY; Candidiasis, familial, 2, autosomal recessive; IMMUNODEFICIENCY 103, SUSCEPTIBILITY TO FUNGAL INFECTIONS. Identifiers: Orphanet 457088, MedGen C1859353, MONDO:0008905, OMIM 212050.

Allele frequency attached by ClinVar (database versions not stated): gnomAD exomes 0.00001 and 0.00002; gnomAD 0.00002; TOPMed 0.00002.

Submission:

Labcorp Genetics (formerly Invitae), Labcorp
Classification: Uncertain significance for Predisposition to invasive fungal disease due to CARD9 deficiency. Last evaluated: 2021-06-20. Review status: criteria provided, single submitter. Criteria: Invitae Variant Classification Sherloc (09022015). Collection method: clinical testing. Allele origin: germline.
Comment: This sequence change replaces arginine with tryptophan at codon 373 of the CARD9 protein (p.Arg373Trp). The arginine residue is weakly conserved and there is a moderate physicochemical difference between arginine and tryptophan. This variant is present in population databases (rs759837396, ExAC 0.01%). This variant has not been reported in the literature in individuals with CARD9-related conditions. Algorithms developed to predict the effect of missense changes on protein structure and function are either unavailable or do not agree on the potential impact of this missense change (SIFT: "Deleterious"; PolyPhen-2: "Possibly Damaging"; Align-GVGD: "Class C0"). In summary, the available evidence is currently insufficient to determine the role of this variant in disease. Therefore, it has been classified as a Variant of Uncertain Significance.